The following is an entry in ClinVar:

NM_000079.4(CHRNA1):c.449T>G (p.Ile150Ser)

Gene: CHRNA1 (cholinergic receptor nicotinic alpha 1 subunit; minus strand). Cytogenetic location: 2q31.1.
Variant type: single nucleotide variant.
Coding change: c.449T>G on transcript NM_000079.4 (MANE Select); coding-DNA position 449, T replaced by G.
Protein change: p.Ile150Ser; replaces isoleucine 150 with serine.
Molecular consequence: missense variant.
Genome position (GRCh38, 1-based): chr2:174,754,310, A>C on the plus strand (T>G on the coding strand, the complement: CHRNA1 is on the minus strand). VCF-style: chr2-174754310-A-C. GRCh37 (hg19) VCF-style: chr2-175619038-A-C.
Other names: c.524T>G, p.Ile175Ser (NM_001039523.3); c.449T>G (NM_000079.3); short protein forms I150S, I175S.
Identifiers: ClinVar variation 1513855 (VCV001513855.8), dbSNP rs1040313532, ClinGen allele CA60852926.

ClinVar aggregate classification (germline): Uncertain significance. Review status: criteria provided, multiple submitters, no conflicts (2 of 4 stars). 2 submissions from 2 submitters: Uncertain significance (2). Last evaluated 2026-04-14.

Conditions:
Lethal multiple pterygium syndrome (LMPS). Identifiers: Orphanet 33108, MedGen C1854678, MONDO:0009668, OMIM 253290.
Inborn genetic diseases. Identifiers: MedGen C0950123, MeSH D030342.

Allele frequency attached by ClinVar (database versions not stated): gnomAD exomes below 0.00001; gnomAD 0.00001.
gnomAD v4.1: 2 of 1,614,078 alleles (0.00012%); highest among the groups gnomAD compares: Admixed American, 0.0017%; no homozygotes.

Submissions (2):

Ambry Genetics
Classification: Uncertain significance for Inborn genetic diseases. Last evaluated: 2026-04-14. Review status: criteria provided, single submitter. Criteria: Ambry Variant Classification Scheme 2023. Collection method: clinical testing. Allele origin: germline.

Labcorp Genetics (formerly Invitae), Labcorp
Classification: Uncertain significance for Lethal multiple pterygium syndrome. Last evaluated: 2022-06-05. Review status: criteria provided, single submitter. Criteria: Invitae Variant Classification Sherloc (09022015). Collection method: clinical testing. Allele origin: germline.
Comment: This variant is not present in population databases (gnomAD no frequency). This variant has not been reported in the literature in individuals affected with CHRNA1-related conditions. ClinVar contains an entry for this variant (Variation ID: 1513855). Advanced modeling of protein sequence and biophysical properties (such as structural, functional, and spatial information, amino acid conservation, physicochemical variation, residue mobility, and thermodynamic stability) performed at Invitae indicates that this missense variant is expected to disrupt CHRNA1 protein function. In summary, the available evidence is currently insufficient to determine the role of this variant in disease. Therefore, it has been classified as a Variant of Uncertain Significance. This sequence change replaces isoleucine, which is neutral and non-polar, with serine, which is neutral and polar, at codon 150 of the CHRNA1 protein (p.Ile150Ser).